The following is an entry in ClinVar:

ClinVar aggregate classification (germline): Likely pathogenic (1 of 4 stars; one submission).

Conditions:
Recurrent metabolic encephalomyopathic crises-rhabdomyolysis-cardiac arrhythmia-intellectual disability syndrome (MECRCN). Also called: Metabolic encephalomyopathic crises, recurrent, with rhabdomyolysis, cardiac arrhythmias, and neurodegeneration; METABOLIC CRISES, RECURRENT, WITH RHABDOMYOLYSIS, CARDIAC ARRHYTHMIAS, AND NEURODEGENERATION; TANGO2 Deficiency. Identifiers: Orphanet 480864, MedGen C5567524, MONDO:0018820, OMIM 616878.

Submission:

Neuberg Centre For Genomic Medicine, NCGM
Classification: Likely pathogenic for Recurrent metabolic encephalomyopathic crises-rhabdomyolysis-cardiac arrhythmia-intellectual disability syndrome. Review status: criteria provided, single submitter. Criteria: ACMG Guidelines, 2015. Collection method: clinical testing. Allele origin: germline. Inheritance: Autosomal recessive inheritance. Affected: yes.
Comment: The stop gained variant c.648C>G (p.Tyr216Ter) in the TANGO2 gene has not been reported previously as a pathogenic variant nor as a benign variant, to our knowledge. The variant is absent in gnomAD Exomes. This variant is predicted to cause loss of normal protein function through protein truncation. Though this variant is in the penultimate exon, a heterozygous likely pathogenic variant downstream of this position has been reported in literature to be disease causing. Loss of function variants has been previously reported to be disease causing (Lalani et al., 2016). Further evidence will be required to prove the pathogenicity of the variant. For these reasons, this variant has been classified as Likely Pathogenic.

NM_152906.7(TANGO2):c.648C>G (p.Tyr216Ter)

Gene: TANGO2 (transport and golgi organization 2 homolog; plus strand). Cytogenetic location: 22q11.21.
Variant type: single nucleotide variant.
Coding change: c.648C>G on transcript NM_152906.7 (MANE Select); coding-DNA position 648, C replaced by G.
Protein change: p.Tyr216Ter; replaces tyrosine 216 with a stop codon.
Molecular consequence: nonsense. On other transcripts: missense variant (6), non-coding transcript variant (5), intron variant (1).
Genome position (GRCh38, 1-based): chr22:20,063,380, C>G. VCF-style: chr22-20063380-C-G. GRCh37 (hg19) VCF-style: chr22-20050903-C-G.
Other names: c.648C>G, p.Tyr216Ter (NM_001283106.3, NM_001283116.3, NM_001322142.2); c.771C>G, p.Tyr257Ter (NM_001283129.3, NM_001322141.2, NM_001322143.2); c.646C>G, p.Arg216Gly (NM_001283148.3, NM_001283154.3); c.462C>G, p.Tyr154Ter (NM_001283179.3, NM_001283186.3, NM_001322163.2 and 2 more transcripts); c.423C>G, p.Tyr141Ter (NM_001283199.3); c.354C>G, p.Tyr118Ter (NM_001283235.3, NM_001322150.2, NM_001322153.2 and 6 more transcripts); c.308C>G, p.Thr103Arg (NM_001283248.3); c.769C>G, p.Arg257Gly (NM_001322144.2); and 5 more; short protein forms R154G, R182G, R216G, R257G, T103R, Y118*, Y141*, Y154*.
Identifiers: ClinVar variation 3731479 (VCV003731479.1).